The following is an entry in ClinVar:

ClinVar aggregate classification (germline): Uncertain significance (1 of 4 stars; one submission).

Conditions:
Hereditary breast ovarian cancer syndrome. Also called: Hereditary breast and ovarian cancer; Hereditary breast and ovarian cancer syndrome (HBOC); BRCA1- and BRCA2-Associated Hereditary Breast and Ovarian Cancer; Hereditary breast and ovarian cancer syndrome; Hereditary breast and/or ovarian cancer syndrome; Breast and ovarian cancer. Identifiers: Orphanet 145, MedGen C0677776, MeSH D061325, MONDO:0003582. Disease mechanism: loss of function.

Submission:

Labcorp Genetics (formerly Invitae), Labcorp
Classification: Uncertain significance for Hereditary breast ovarian cancer syndrome. Last evaluated: 2024-01-31. Review status: criteria provided, single submitter. Criteria: Invitae Variant Classification Sherloc (09022015). Collection method: clinical testing. Allele origin: germline.
Comment: This variant results in a copy number gain of the genomic region encompassing exon(s) 1-9 of the BRCA1 gene. This region includes the initiator codon of the gene. This copy number gain extends beyond the assayed region for this gene and therefore may encompass additional genes. As the precise location of this event is unknown, it may be in tandem or it may be located elsewhere in the genome. A similar copy number variant has been observed in individual(s) with clinical features of BRCA1-related conditions (PMID: 30054569). Experimental studies and prediction algorithms are not available or were not evaluated, and the functional significance of this variant is currently unknown. In summary, the available evidence is currently insufficient to determine the role of this variant in disease. Therefore, it has been classified as a Variant of Uncertain Significance.

Literature cited by the submitters: PubMed 30054569.

NC_000017.10:g.(?_41247843)_(41277500_?)dup

Genes: BRCA1 (BRCA1 DNA repair associated; minus strand), LOC110485084 (BRCA1 intronic recombination region; plus strand), LOC111589216 (BRCA1 intron 2 regulatory region; plus strand), LOC111589215 (BRCA1 promoter region; plus strand). Cytogenetic location: 17q21.31.
Variant type: Duplication.
Identifiers: ClinVar variation 639365 (VCV000639365.5).